The following is an entry in ClinVar:

NM_000059.4(BRCA2):c.7796A>T (p.Glu2599Val)

Gene: BRCA2 (BRCA2 DNA repair associated; plus strand). Cytogenetic location: 13q13.1.
Variant type: single nucleotide variant.
Coding change: c.7796A>T on transcript NM_000059.4 (MANE Select); coding-DNA position 7796, A replaced by T.
Protein change: p.Glu2599Val; replaces glutamic acid 2599 with valine.
Molecular consequence: missense variant.
Genome position (GRCh38, 1-based): chr13:32,357,920, A>T. VCF-style: chr13-32357920-A-T. GRCh37 (hg19) VCF-style: chr13-32932057-A-T.
Other names: c.7796A>T (NM_000059.3); short protein forms E2599V.
Identifiers: ClinVar variation 1411767 (VCV001411767.8), dbSNP rs780715340, ClinGen allele CA387746106.
Genomic context (GRCh38, chr13:32,357,920, plus strand): 5'-TACAGTTGGCTGATGGTGGATGGCTCATACCCTCCAATGATGGAAAGGCTGGAAAAGAAG[A>T]ATTTTATAGGTACTCTATGCAAAAAGATTGTGTGTTAACTTTTATGTATTCCCTCATCCC-3'
Protein context (NP_000050.3, residues 2589-2609): PSNDGKAGKE[Glu2599Val]FYRALCDTPG

ClinVar aggregate classification (germline): Uncertain significance. Review status: criteria provided, multiple submitters, no conflicts (2 of 4 stars). 3 submissions from 3 submitters: Uncertain significance (3). Last evaluated 2025-03-05.

Conditions:
BRCA2-related cancer predisposition. Identifiers: MedGen CN377758, MONDO:0700269.
Hereditary cancer-predisposing syndrome. Also called: Hereditary Cancer Syndrome; Tumor predisposition; Hereditary neoplastic syndrome; Neoplastic Syndromes, Hereditary. Identifiers: Orphanet 140162, MedGen C0027672, MeSH D009386, MONDO:0015356.
Hereditary breast ovarian cancer syndrome. Also called: Hereditary breast and ovarian cancer syndrome (HBOC); Breast and ovarian cancer; Hereditary breast and ovarian cancer syndrome; Hereditary breast and/or ovarian cancer syndrome; Hereditary breast and ovarian cancer; BRCA1- and BRCA2-Associated Hereditary Breast and Ovarian Cancer. Identifiers: Orphanet 145, MedGen C0677776, MeSH D061325, MONDO:0003582. Disease mechanism: loss of function.

Submissions (3):

Ambry Genetics
Classification: Uncertain significance for Hereditary cancer-predisposing syndrome. Last evaluated: 2025-03-05. Review status: criteria provided, single submitter. Criteria: Ambry Variant Classification Scheme 2023. Collection method: clinical testing. Allele origin: germline.
Comment: The p.E2599V variant (also known as c.7796A>T), located in coding exon 15 of the BRCA2 gene, results from an A to T substitution at nucleotide position 7796. The glutamic acid at codon 2599 is replaced by valine, an amino acid with dissimilar properties. This amino acid position is highly conserved in available vertebrate species. In addition, this alteration is predicted to be deleterious by in silico analysis. Based on the available evidence, the clinical significance of this variant remains unclear.

All of Us Research Program, National Institutes of Health
Classification: Uncertain significance for BRCA2-related cancer predisposition. Last evaluated: 2024-07-10. Review status: criteria provided, single submitter. Criteria: ACMG Guidelines, 2015. Collection method: clinical testing. Allele origin: germline. Inheritance: Autosomal dominant inheritance. Observed: 1 variant allele, 1 heterozygote.
Comment: This missense variant replaces glutamic acid with valine at codon 2599 of the BRCA2 protein. Computational prediction suggests that this variant may have deleterious impact on protein structure and function (internally defined REVEL score threshold >= 0.7, PMID: 27666373). To our knowledge, functional studies have not been reported for this variant. This variant has not been reported in individuals affected with BRCA2-related disorders in the literature. This variant has not been identified in the general population by the Genome Aggregation Database (gnomAD). Different variants affecting the same codon, c.7796A>G (p.Glu2599Gly) and c.7795G>A (p.Glu2599Lys), are described to be likely pathogenic, but with potentially reduced risk compared to other high-risk pathogenic variants in BRCA2 (ClinVar variation ID: 483130, 231552). The available evidence is insufficient to determine the role of this variant in disease conclusively. Therefore, this variant is classified as a Variant of Uncertain Significance.

This study involves interpretation of variants in research participants for the purpose of population health screening. Participant phenotype was not available at the time of variant classification. Additional details can be found in publication PMID: 35346344, PMCID: PMC8962531

Labcorp Genetics (formerly Invitae), Labcorp
Classification: Uncertain significance for Hereditary breast ovarian cancer syndrome. Last evaluated: 2021-09-14. Review status: criteria provided, single submitter. Criteria: Invitae Variant Classification Sherloc (09022015). Collection method: clinical testing. Allele origin: germline.
Comment: This sequence change replaces glutamic acid with valine at codon 2599 of the BRCA2 protein (p.Glu2599Val). The glutamic acid residue is highly conserved and there is a moderate physicochemical difference between glutamic acid and valine. In summary, the available evidence is currently insufficient to determine the role of this variant in disease. Therefore, it has been classified as a Variant of Uncertain Significance. Advanced modeling of protein sequence and biophysical properties (such as structural, functional, and spatial information, amino acid conservation, physicochemical variation, residue mobility, and thermodynamic stability) performed at Invitae indicates that this missense variant is expected to disrupt BRCA2 protein function. This variant has not been reported in the literature in individuals affected with BRCA2-related conditions. This variant is not present in population databases (ExAC no frequency).